The following is an entry in ClinVar:

NM_000186.4(CFH):c.245-10_245-9dup

Gene: CFH (complement factor H; plus strand). Cytogenetic location: 1q31.3.
Variant type: Duplication.
Coding change: c.245-10_245-9dup on transcript NM_000186.4 (MANE Select); 10 bases into the intron before coding-DNA position 245 through 9 bases into the intron before coding-DNA position 245, 2 bases duplicated (TT; older notation c.245-10_245-9dupTT).
Molecular consequence: intron variant.
Genome position (GRCh38, 1-based): chr1:196,673,847-196,673,848, TT duplicated; duplicating any 2 consecutive bases within chr1:196,673,840-196,673,848 gives the same sequence; the c. name uses the placement nearest the transcript's 3' end. VCF-style (leftmost placement, unchanged base first): chr1-196673839-C-CTT. GRCh37 (hg19) VCF-style: chr1-196642969-C-CTT.
Other names: c.245-10_245-9dupTT (NM_000186.4); c.245-10_245-9dup (NM_001014975.3); c.245-17_245-9T[11] (NM_000186.4).
Identifiers: ClinVar variation 1166414 (VCV001166414.24), dbSNP rs35507625, ClinGen allele CA1304989.

ClinVar aggregate classification (germline): Benign/Likely benign. Review status: criteria provided, multiple submitters, no conflicts (2 of 4 stars). 13 submissions from 10 submitters: Benign (10); Likely benign (1). 2 of the submissions do not count toward it. Last evaluated 2026-02-04.

Conditions:
Basal laminar drusen. Also called: DRUSEN OF BRUCH MEMBRANE; DRUSEN, CUTICULAR; DRUSEN, EARLY ADULT-ONSET, GROUPED. Identifiers: Orphanet 75376, MedGen C0730295, MONDO:0007472, OMIM 126700.
Age related macular degeneration 4. Identifiers: MedGen C1853147, MONDO:0012540, OMIM 610698.
Factor H deficiency (CFHD). Also called: COMPLEMENT FACTOR H DEFICIENCY; CFH DEFICIENCY. Identifiers: Orphanet 200421, MedGen C0398777, MONDO:0012350, OMIM 609814.
Hemolytic uremic syndrome, atypical, susceptibility to, 1. Also called: AHUS, SUSCEPTIBILITY TO, 1. Identifiers: Orphanet 2134, Orphanet 90038, MedGen C2749604, MONDO:0009335, OMIM 235400. Disease mechanism: Other.
Atypical hemolytic-uremic syndrome. Identifiers: Orphanet 2134, MedGen C2931788, MONDO:0016244.

Submissions (13):

Labcorp Genetics (formerly Invitae), Labcorp
Classification: Benign. Last evaluated: 2026-02-04. Review status: criteria provided, single submitter. Criteria: Invitae Variant Classification Sherloc (09022015). Collection method: clinical testing. Allele origin: germline.

Genomenon, Inc
Classification: Benign for Basal laminar drusen; Age related macular degeneration 4; Atypical hemolytic-uremic syndrome; Factor H deficiency. Last evaluated: 2025-10-02. Review status: criteria provided, single submitter. Criteria: Genomenon Sequence Variant Interpretation Standards - Updated. Collection method: curation. Allele origin: germline. Affected: no.
Comment: CFH c.245-17_245-9T[11] is a duplication variant located in intron 2. This variant is present at high allele frequency in population databases. In conclusion, we classify CFH c.245-17_245-9T[11] as a benign variant.

Center for Genomic Medicine, Rigshospitalet, Copenhagen University Hospital
Classification: Benign. Last evaluated: 2025-03-04. Review status: criteria provided, single submitter. Criteria: ACMG Guidelines, 2015. Collection method: clinical testing. Allele origin: germline.

Blueprint Genetics
Classification: Likely benign. Last evaluated: 2024-11-26. Review status: criteria provided, single submitter. Criteria: ACMG Guidelines, 2015. Collection method: clinical testing. Allele origin: germline.

Genome-Nilou Lab
Classification: Benign for Hemolytic uremic syndrome, atypical, susceptibility to, 1. Last evaluated: 2023-04-11. Review status: criteria provided, single submitter. Criteria: ACMG Guidelines, 2015. Collection method: clinical testing. Allele origin: germline. Affected: no.

Genome-Nilou Lab
Classification: Benign for Age related macular degeneration 4. Last evaluated: 2023-04-11. Review status: criteria provided, single submitter. Criteria: ACMG Guidelines, 2015. Collection method: clinical testing. Allele origin: germline. Affected: no.

Genome-Nilou Lab
Classification: Benign for Basal laminar drusen. Last evaluated: 2023-04-11. Review status: criteria provided, single submitter. Criteria: ACMG Guidelines, 2015. Collection method: clinical testing. Allele origin: germline. Affected: no.

Genome-Nilou Lab
Classification: Benign for Factor H deficiency. Last evaluated: 2023-04-11. Review status: criteria provided, single submitter. Criteria: ACMG Guidelines, 2015. Collection method: clinical testing. Allele origin: germline. Affected: no.

Fulgent Genetics
Classification: Benign for Basal laminar drusen; Hemolytic uremic syndrome, atypical, susceptibility to, 1; Factor H deficiency; Age related macular degeneration 4. Last evaluated: 2022-04-21. Review status: criteria provided, single submitter. Criteria: ACMG Guidelines, 2015. Collection method: clinical testing. Allele origin: unknown.

Genome Diagnostics Laboratory, The Hospital for Sick Children
Classification: Benign for Atypical hemolytic-uremic syndrome. Last evaluated: 2020-12-30. Review status: criteria provided, single submitter. Criteria: ACMG Guidelines, 2015. Collection method: clinical testing. Allele origin: germline.

Dubai Health Genomic Medicine Center, Dubai Health
Classification: Benign. Last evaluated: 2019-12-29. Review status: criteria provided, single submitter. Criteria: ACMG Guidelines, 2015. Collection method: clinical testing. Allele origin: germline. Affected: yes.

Clinical Genetics, Academic Medical Center
Classification: Benign. Review status: no assertion criteria provided. Collection method: clinical testing. Allele origin: germline. Affected: yes. Study: VKGL Data-share Consensus. Not counted in ClinVar's aggregate classification.

Genome Diagnostics Laboratory, University Medical Center Utrecht
Classification: Benign. Review status: no assertion criteria provided. Collection method: clinical testing. Allele origin: germline. Affected: yes. Study: VKGL Data-share Consensus. Not counted in ClinVar's aggregate classification.